The following is an entry in ClinVar:

ClinVar aggregate classification (germline): Uncertain significance (1 of 4 stars; one submission).

Conditions:
Familial cancer of breast. Also called: hereditary breast carcinoma; BREAST CANCER, FAMILIAL; Hereditary breast cancer. Identifiers: Orphanet 227535, MedGen C0346153, MONDO:0016419, OMIM 114480. Disease mechanism: loss of function.

gnomAD v4.1: 1 of 1,614,198 alleles (0.000062%); highest among the groups gnomAD compares: Non-Finnish European, 0.000085%; no homozygotes.

Submission:

Labcorp Genetics (formerly Invitae), Labcorp
Classification: Uncertain significance for Familial cancer of breast. Last evaluated: 2023-04-24. Review status: criteria provided, single submitter. Criteria: Invitae Variant Classification Sherloc (09022015). Collection method: clinical testing. Allele origin: germline.
Comment: This sequence change replaces tyrosine, which is neutral and polar, with serine, which is neutral and polar, at codon 745 of the BARD1 protein (p.Tyr745Ser). In summary, the available evidence is currently insufficient to determine the role of this variant in disease. Therefore, it has been classified as a Variant of Uncertain Significance. Algorithms developed to predict the effect of missense changes on protein structure and function output the following: SIFT: "Not Available"; PolyPhen-2: "Benign"; Align-GVGD: "Not Available". The serine amino acid residue is found in multiple mammalian species, which suggests that this missense change does not adversely affect protein function. ClinVar contains an entry for this variant (Variation ID: 942657). This variant has not been reported in the literature in individuals affected with BARD1-related conditions. This variant is not present in population databases (gnomAD no frequency).

NM_000465.4(BARD1):c.2234A>C (p.Tyr745Ser)

Gene: BARD1 (BRCA1 associated RING domain 1; minus strand). Cytogenetic location: 2q35.
Variant type: single nucleotide variant.
Coding change: c.2234A>C on transcript NM_000465.4 (MANE Select); coding-DNA position 2234, A replaced by C.
Protein change: p.Tyr745Ser; replaces tyrosine 745 with serine.
Molecular consequence: missense variant. On other transcripts: non-coding transcript variant (3).
Genome position (GRCh38, 1-based): chr2:214,728,776, T>G on the plus strand (A>C on the coding strand, the complement: BARD1 is on the minus strand). VCF-style: chr2-214728776-T-G. GRCh37 (hg19) VCF-style: chr2-215593500-T-G.
Other names: c.2177A>C, p.Tyr726Ser (NM_001282543.2); c.881A>C, p.Tyr294Ser (NM_001282545.2); c.824A>C, p.Tyr275Ser (NM_001282548.2); c.695A>C, p.Tyr232Ser (NM_001282549.2); short protein forms Y294S, Y726S, Y745S, Y275S, Y232S.
Identifiers: ClinVar variation 942657 (VCV000942657.10), dbSNP rs1692201900, ClinGen allele CA350450068.
Genomic context (GRCh38, chr2:214,728,776, plus strand): 5'-TCTATAAACCAGCTCGAAGGAGCCTTCCAGACTTTGCCCTGCCGAACCCTCTCTGGGTGA[T>G]AATTACACAAATCTTCATAGATGATATACTGTGTGCAGAAGCGCTGATCAGAATCGGGTC-3'
Protein context (NP_000456.2, residues 735-755): QYIIYEDLCN[Tyr745Ser]HPERVRQGKV